The following is an entry in ClinVar:

ClinVar aggregate classification (germline): Pathogenic. Review status: reviewed by expert panel (3 of 4 stars). 4 submissions from 4 submitters: Pathogenic (1). 3 of the submissions do not count toward it. Last evaluated 2016-09-08.

Conditions:
Hereditary cancer-predisposing syndrome. Also called: Tumor predisposition; Neoplastic Syndromes, Hereditary; Hereditary Cancer Syndrome; Hereditary neoplastic syndrome. Identifiers: Orphanet 140162, MedGen C0027672, MeSH D009386, MONDO:0015356.
Hereditary breast ovarian cancer syndrome. Also called: Hereditary breast and ovarian cancer syndrome (HBOC); Hereditary breast and ovarian cancer syndrome; Hereditary breast and ovarian cancer; Hereditary breast and/or ovarian cancer syndrome; Breast and ovarian cancer; BRCA1- and BRCA2-Associated Hereditary Breast and Ovarian Cancer. Identifiers: Orphanet 145, MedGen C0677776, MeSH D061325, MONDO:0003582. Disease mechanism: loss of function.
Breast-ovarian cancer, familial, susceptibility to, 1 (BROVCA1). Also called: OVARIAN CANCER, SUSCEPTIBILITY TO; BRCA1 Hereditary Breast and Ovarian Cancer. Identifiers: Orphanet 145, MedGen C2676676, MONDO:0011450, OMIM 604370. Disease mechanism: loss of function.

Submissions (4):

Evidence-based Network for the Interpretation of Germline Mutant Alleles (ENIGMA)
Classification: Pathogenic for Breast-ovarian cancer, familial, susceptibility to, 1. Last evaluated: 2016-09-08. Review status: reviewed by expert panel. Criteria: ENIGMA BRCA1/2 Classification Criteria (2015). Collection method: curation. Allele origin: germline.
Comment: Variant allele predicted to encode a truncated non-functional protein.

Ambry Genetics
Classification: Pathogenic for Hereditary cancer-predisposing syndrome. Last evaluated: 2024-03-22. Review status: criteria provided, single submitter. Criteria: Ambry Variant Classification Scheme 2023. Collection method: clinical testing. Allele origin: germline. Not counted in ClinVar's aggregate classification.
Comment: The c.317delA pathogenic mutation, located in coding exon 5 of the BRCA1 gene, results from a deletion of one nucleotide at nucleotide position 317, causing a translational frameshift with a predicted alternate stop codon (p.N106Ifs*13). This variant was reported in a cohort of Chinese individuals with features consistent with hereditary breast and ovarian cancer (Bhaskaran SP et al. Int J Cancer, 2019 Aug;145:962-973). This variant is considered to be rare based on population cohorts in the Genome Aggregation Database (gnomAD). In addition to the clinical data presented in the literature, this alteration is expected to result in loss of function by premature protein truncation or nonsense-mediated mRNA decay. As such, this alteration is interpreted as a disease-causing mutation.

Labcorp Genetics (formerly Invitae), Labcorp
Classification: Pathogenic for Hereditary breast ovarian cancer syndrome. Last evaluated: 2023-03-29. Review status: criteria provided, single submitter. Criteria: Invitae Variant Classification Sherloc (09022015). Collection method: clinical testing. Allele origin: germline. Not counted in ClinVar's aggregate classification.
Comment: For these reasons, this variant has been classified as Pathogenic. ClinVar contains an entry for this variant (Variation ID: 54791). This premature translational stop signal has been observed in individual(s) with epithelial ovarian cancer (PMID: 28176296). This variant is not present in population databases (gnomAD no frequency). This sequence change creates a premature translational stop signal (p.Asn106Ilefs*13) in the BRCA1 gene. It is expected to result in an absent or disrupted protein product. Loss-of-function variants in BRCA1 are known to be pathogenic (PMID: 20104584).

Breast Cancer Information Core (BIC) (BRCA1)
Classification: Pathogenic for Breast-ovarian cancer, familial 1. Last evaluated: 2002-05-29. Review status: no assertion criteria provided. Collection method: clinical testing. Allele origin: germline. Affected: yes. Observed: 1 variant allele. Not counted in ClinVar's aggregate classification.

Literature cited by the submitters: PubMed 30702160 (cited by Ambry Genetics); PubMed 28176296 (cited by Labcorp Genetics (formerly Invitae), Labcorp); PubMed 20104584 (cited by Labcorp Genetics (formerly Invitae), Labcorp).

NM_007294.4(BRCA1):c.317del (p.Asn106fs)

Gene: BRCA1 (BRCA1 DNA repair associated; minus strand). Cytogenetic location: 17q21.31.
Variant type: Deletion.
Coding change: c.317del on transcript NM_007294.4 (MANE Select); coding-DNA position 317, one base deleted (A; older notation c.317delA).
Protein change: p.Asn106fs; shifts the reading frame from asparagine 106.
Molecular consequence: frameshift variant. On other transcripts: non-coding transcript variant (1).
Genome position (GRCh38, 1-based): chr17:43,104,246, T deleted on the plus strand (A on the coding strand, the reverse complement: BRCA1 is on the minus strand); the first of 2 consecutive T bases (chr17:43,104,246-43,104,247); deleting either gives the same sequence. VCF-style (leftmost placement, unchanged base first): chr17-43104245-AT-A. GRCh37 (hg19) VCF-style: chr17-41256262-AT-A.
Other names: 436delA; c.317delA (NM_007294.3); c.106delA, p.Asn36Ilefs (NM_001407900.1, NM_001407902.1, NM_001407904.1 and 58 more transcripts); c.316delA, p.Asn106Ilefs (NM_001407919.1, NM_001407937.1, NM_001407938.1 and 163 more transcripts); c.175delA, p.Asn59Ilefs (NM_001407920.1, NM_001407921.1, NM_001407922.1 and 98 more transcripts); c.-66delA (NM_001407959.1, NM_001407960.1, NM_001407962.1 and 4 more transcripts); c.307delA, p.Asn103Ilefs (NM_001408408.1, NM_001407646.1, NM_001407647.1); c.238delA, p.Asn80Ilefs (NM_001408409.1, NM_001408411.1, NM_001408412.1 and 21 more transcripts); and 3 more; short protein forms N59fs, N106fs.
Identifiers: ClinVar variation 54791 (VCV000054791.12), dbSNP rs80357950, ClinGen allele CA002072.